The following is an entry in ClinVar:

ClinVar aggregate classification (germline): Pathogenic (0 of 4 stars; one submission).

Conditions:
Van Maldergem syndrome 1 (VMLDS1). Also called: Van Maldergem syndrome 1 (VMLDS1). Identifiers: Orphanet 314679, MedGen C4551950, MONDO:0011070, OMIM 601390.

Submission:

Gene Discovery Core-Manton Center, Boston Children's Hospital
Classification: Pathogenic for Van Maldergem syndrome 1. Last evaluated: 2020-02-14. Review status: no assertion criteria provided. Collection method: research. Allele origin: germline. Affected: yes.
Comment: This variant is interpreted as Pathogenic for Van Maldergem syndrome 1; Autosomal Recessive. PVS1- Null variant (frameshift) in a gene where LOF is a known mechanism of disease. PM2- Absent from controls (gnomad). PP3- Multiple lines of computational evidence support a deleterious effect on the gene or gene product (conservation, evolutionary, splicing impact, etc.)

NM_003737.4(DCHS1):c.1964del (p.Phe655fs)

Gene: DCHS1 (dachsous cadherin-related 1; minus strand). Cytogenetic location: 11p15.4.
Variant type: Deletion.
Coding change: c.1964del on transcript NM_003737.4 (MANE Select); coding-DNA position 1964, one base deleted (T; older notation c.1964delT).
Protein change: p.Phe655fs; shifts the reading frame from phenylalanine 655.
Molecular consequence: frameshift variant.
Genome position (GRCh38, 1-based): chr11:6,634,140, A deleted on the plus strand (T on the coding strand, the reverse complement: DCHS1 is on the minus strand); the first of 2 consecutive A bases (chr11:6,634,140-6,634,141); deleting either gives the same sequence. VCF-style (leftmost placement, unchanged base first): chr11-6634139-GA-G. GRCh37 (hg19) VCF-style: chr11-6655370-GA-G.
Other names: short protein forms F655fs.
Identifiers: ClinVar variation 1188839 (VCV001188839.1), dbSNP rs2134634960, ClinGen allele CA2499221184.